The following is an entry in ClinVar:

ClinVar aggregate classification (germline): Benign. Review status: criteria provided, multiple submitters, no conflicts (2 of 4 stars). 2 submissions from 2 submitters: Benign (2). Last evaluated 2018-06-14.

Allele frequency attached by ClinVar (database versions not stated): 1000 Genomes Project 30x 0.57339; gnomAD 0.67408 and 0.68437; 1000 Genomes Project 0.56689; TOPMed 0.67429; gnomAD exomes 0.67048.
gnomAD v4.1: 450,569 of 670,028 alleles (67%); highest among the groups gnomAD compares: Middle Eastern, 78%; 157,391 homozygotes.

Submissions (2):

GeneDx
Classification: Benign. Last evaluated: 2018-06-14. Review status: criteria provided, single submitter. Criteria: GeneDx Variant Classification (06012015). Collection method: clinical testing. Allele origin: germline. Affected: yes.
Comment: This variant is considered likely benign or benign based on one or more of the following criteria: it is a conservative change, it occurs at a poorly conserved position in the protein, it is predicted to be benign by multiple in silico algorithms, and/or has population frequency not consistent with disease.

Breakthrough Genomics
Classification: Benign. Review status: criteria provided, single submitter. Criteria: ACMG Guidelines, 2015. Collection method: not provided. Allele origin: germline. Inheritance: Autosomal recessive inheritance. Affected: yes.

NM_001384140.1(PCDH15):c.705+133T>C

Gene: PCDH15 (protocadherin related 15; minus strand). Cytogenetic location: 10q21.1.
Variant type: single nucleotide variant.
Coding change: c.705+133T>C on transcript NM_001384140.1 (MANE Select); 133 bases into the intron after coding-DNA position 705, T replaced by C.
Molecular consequence: intron variant.
Genome position (GRCh38, 1-based): chr10:54,329,463, A>G on the plus strand (T>C on the coding strand, the complement: PCDH15 is on the minus strand). VCF-style: chr10-54329463-A-G. GRCh37 (hg19) VCF-style: chr10-56089223-A-G.
Other names: c.705+133T>C (NM_001354420.2, NM_001354429.2, NM_001142772.2 and 7 more transcripts); c.720+133T>C (NM_001142771.2, NM_001142769.3, NM_001142763.2); c.639+133T>C (NM_001354404.2, NM_001142773.2, NM_001142768.2); c.595-12022T>C (NM_001142767.2).
Identifiers: ClinVar variation 678843 (VCV000678843.2), dbSNP rs11004240, ClinGen allele CA15675009.